The following is an entry in ClinVar:

ClinVar aggregate classification (germline): Uncertain significance (1 of 4 stars; one submission).

Submission:

Labcorp Genetics (formerly Invitae), Labcorp
Classification: Uncertain significance. Last evaluated: 2025-07-07. Review status: criteria provided, single submitter. Criteria: Invitae Variant Classification Sherloc (09022015). Collection method: clinical testing. Allele origin: germline.
Comment: This sequence change replaces threonine, which is neutral and polar, with serine, which is neutral and polar, at codon 337 of the FAM20C protein (p.Thr337Ser). This variant is not present in population databases (gnomAD no frequency). This variant has not been reported in the literature in individuals affected with FAM20C-related conditions. ClinVar contains an entry for this variant (Variation ID: 1423901). Invitae Evidence Modeling of protein sequence and biophysical properties (such as structural, functional, and spatial information, amino acid conservation, physicochemical variation, residue mobility, and thermodynamic stability) indicates that this missense variant is not expected to disrupt FAM20C protein function with a negative predictive value of 80%. In summary, the available evidence is currently insufficient to determine the role of this variant in disease. Therefore, it has been classified as a Variant of Uncertain Significance.

NM_020223.4(FAM20C):c.1010C>G (p.Thr337Ser)

Gene: FAM20C (FAM20C golgi associated secretory pathway kinase; plus strand). Cytogenetic location: 7p22.3.
Variant type: single nucleotide variant.
Coding change: c.1010C>G on transcript NM_020223.4 (MANE Select); coding-DNA position 1010, C replaced by G.
Protein change: p.Thr337Ser; replaces threonine 337 with serine.
Molecular consequence: missense variant.
Genome position (GRCh38, 1-based): chr7:248,368, C>G. VCF-style: chr7-248368-C-G. GRCh37 (hg19) VCF-style: chr7-288334-C-G.
Other names: short protein forms T337S.
Identifiers: ClinVar variation 1423901 (VCV001423901.8), dbSNP rs2115151335, ClinGen allele CA366523992.
Genomic context (GRCh38, chr7:248,368, plus strand): 5'-TTGCCAGGATCCTGGACTTCCGCCGGGTCCCTCCCGTGGCCGGCAGGATGGTCAACATGA[C>G]CAAGGAGATCCGGGACGTCACACGGGACAAGAAGCTCTGGAGGACCTTCTTCATCTCTCC-3'
Protein context (NP_064608.2, residues 327-347): PPVAGRMVNM[Thr337Ser]KEIRDVTRDK